The following is an entry in ClinVar:

NM_001276270.2(MBD4):c.124G>C (p.Glu42Gln)

Gene: MBD4 (methyl-CpG binding domain 4, DNA glycosylase; minus strand). Cytogenetic location: 3q21.3.
Variant type: single nucleotide variant.
Coding change: c.124G>C on transcript NM_001276270.2 (MANE Select); coding-DNA position 124, G replaced by C.
Protein change: p.Glu42Gln; replaces glutamic acid 42 with glutamine.
Molecular consequence: missense variant.
Genome position (GRCh38, 1-based): chr3:129,437,931, C>G on the plus strand (G>C on the coding strand, the complement: MBD4 is on the minus strand). VCF-style: chr3-129437931-C-G. GRCh37 (hg19) VCF-style: chr3-129156774-C-G.
Other names: c.124G>C, p.Glu42Gln (NM_001276271.2, NM_001276272.2, NM_001276273.2 and 1 more transcripts); short protein forms E42Q.
Identifiers: ClinVar variation 3543747 (VCV003543747.2).
Genomic context (GRCh38, chr3:129,437,931, plus strand): 5'-TACATTCACTGCTTCTTTTTATCATCATTTGTTCCTCATCTTCTCCCACTCTTTCCAATT[C>G]CATAGCAACATCTTCTTTGCTGGAAAAACAAAGTCTAAGTGATTAACTTATTTAAAATTT-3'
Protein context (NP_001263199.1, residues 32-52): NDLRKEDVAM[Glu42Gln]LERVGEDEEQ

ClinVar aggregate classification (germline): Conflicting classifications of pathogenicity. Review status: criteria provided, conflicting classifications (1 of 4 stars). 2 submissions from 2 submitters: Uncertain significance (1); Likely benign (1). Last evaluated 2025-06-24.

Conditions:
Inborn genetic diseases. Identifiers: MedGen C0950123, MeSH D030342.

gnomAD v4.1: 17 of 1,610,054 alleles (0.0011%); highest among the groups gnomAD compares: South Asian, 0.019%; 1 homozygote.

Submissions (2):

Labcorp Genetics (formerly Invitae), Labcorp
Classification: Uncertain significance. Last evaluated: 2025-06-24. Review status: criteria provided, single submitter. Criteria: Invitae Variant Classification Sherloc (09022015). Collection method: clinical testing. Allele origin: germline.
Comment: This sequence change replaces glutamic acid, which is acidic and polar, with glutamine, which is neutral and polar, at codon 42 of the MBD4 protein (p.Glu42Gln). This variant is present in population databases (rs777698771, gnomAD 0.02%). This variant has not been reported in the literature in individuals affected with MBD4-related conditions. ClinVar contains an entry for this variant (Variation ID: 3543747). An algorithm developed to predict the effect of missense changes on protein structure and function (PolyPhen-2) suggests that this variant is likely to be tolerated. In summary, the available evidence is currently insufficient to determine the role of this variant in disease. Therefore, it has been classified as a Variant of Uncertain Significance.

Ambry Genetics
Classification: Likely benign for Inborn genetic diseases. Last evaluated: 2024-10-17. Review status: criteria provided, single submitter. Criteria: Ambry Variant Classification Scheme 2023. Collection method: clinical testing. Allele origin: germline.